The following is an entry in ClinVar:

ClinVar aggregate classification (germline): Uncertain significance. Review status: criteria provided, multiple submitters, no conflicts (2 of 4 stars). 3 submissions from 3 submitters: Uncertain significance (2). 1 of the submissions does not count toward it. Last evaluated 2026-01-01.

Conditions:
DYRK1B-related disorder. Also called: DYRK1B-related condition.
Syndromic Monogenic Diabetes.

Allele frequency attached by ClinVar (database versions not stated): gnomAD exomes 0.00002; ExAC 0.00005; gnomAD 0.00011; TOPMed 0.00013; ESP Exome Variant Server 0.00023.
gnomAD v4.1: 49 of 1,613,466 alleles (0.003%); highest among the groups gnomAD compares: African/African-American, 0.033%; no homozygotes.

Submissions (3):

Genomic Medicine Center of Excellence, King Faisal Specialist Hospital and Research Centre
Classification: Uncertain significance for Syndromic Monogenic Diabetes. Last evaluated: 2026-01-01. Review status: criteria provided, single submitter. Criteria: ACMG Guidelines, 2015. Collection method: clinical testing. Allele origin: germline. Affected: yes.

Labcorp Genetics (formerly Invitae), Labcorp
Classification: Uncertain significance. Last evaluated: 2023-09-19. Review status: criteria provided, single submitter. Criteria: Invitae Variant Classification Sherloc (09022015). Collection method: clinical testing. Allele origin: germline.
Comment: In summary, the available evidence is currently insufficient to determine the role of this variant in disease. Therefore, it has been classified as a Variant of Uncertain Significance. Advanced modeling of protein sequence and biophysical properties (such as structural, functional, and spatial information, amino acid conservation, physicochemical variation, residue mobility, and thermodynamic stability) has been performed at Invitae for this missense variant, however the output from this modeling did not meet the statistical confidence thresholds required to predict the impact of this variant on DYRK1B protein function. This variant has not been reported in the literature in individuals affected with DYRK1B-related conditions. This variant is present in population databases (rs141849649, gnomAD 0.03%). This sequence change replaces arginine, which is basic and polar, with cysteine, which is neutral and slightly polar, at codon 207 of the DYRK1B protein (p.Arg207Cys).

PreventionGenetics, part of Exact Sciences
Classification: Uncertain significance for DYRK1B-related condition. Last evaluated: 2024-04-14. Review status: no assertion criteria provided. Collection method: clinical testing. Allele origin: germline. Not counted in ClinVar's aggregate classification.
Comment: The DYRK1B c.619C>T variant is predicted to result in the amino acid substitution p.Arg207Cys. To our knowledge, this variant has not been reported in the literature. This variant is reported in 0.032% of alleles in individuals of African descent in gnomAD, which may be too common to be an unreported cause of disease. Although we suspect that this variant may be benign, at this time, the clinical significance of this variant is uncertain due to the absence of conclusive functional and genetic evidence.

NM_004714.3(DYRK1B):c.619C>T (p.Arg207Cys)

Gene: DYRK1B (dual specificity tyrosine phosphorylation regulated kinase 1B; minus strand). Cytogenetic location: 19q13.2.
Variant type: single nucleotide variant.
Coding change: c.619C>T on transcript NM_004714.3 (MANE Select); coding-DNA position 619, C replaced by T.
Protein change: p.Arg207Cys; replaces arginine 207 with cysteine.
Molecular consequence: missense variant.
Genome position (GRCh38, 1-based): chr19:39,828,485, G>A on the plus strand (C>T on the coding strand, the complement: DYRK1B is on the minus strand). VCF-style: chr19-39828485-G-A. GRCh37 (hg19) VCF-style: chr19-40319125-G-A.
Other names: c.619C>T (NM_004714.2); c.619C>T, p.Arg207Cys (NM_006483.3, NM_006484.3); short protein forms R207C.
Identifiers: ClinVar variation 2976358 (VCV002976358.5), dbSNP rs141849649, ClinGen allele CA9434246.